The following is an entry in ClinVar:

NM_020884.7(MYH7B):c.3575_3601del (p.His1192_Arg1200del)

Gene: MYH7B (myosin heavy chain 7B; plus strand). Cytogenetic location: 20q11.22.
Variant type: Deletion.
Coding change: c.3575_3601del on transcript NM_020884.7 (MANE Select); coding-DNA positions 3575 to 3601, 27 bases deleted (ACGAGGCCACAGTGGCGGCACTGCGGC).
Protein change: p.His1192_Arg1200del.
Molecular consequence: inframe deletion.
Genome position (GRCh38, 1-based): chr20:34,997,468-34,997,494, ACGAGGCCACAGTGGCGGCACTGCGGC deleted; deleting any 27 consecutive bases within chr20:34,997,461-34,997,494 gives the same sequence; the c. name uses the placement nearest the transcript's 3' end. VCF-style (leftmost placement, unchanged base first): chr20-34997460-GCTGCGGCACGAGGCCACAGTGGCGGCA-G. GRCh37 (hg19) VCF-style: chr20-33585263-GCTGCGGCACGAGGCCACAGTGGCGGCA-G.
Identifiers: ClinVar variation 4693186 (VCV004693186.1).

ClinVar aggregate classification (germline): Uncertain significance (1 of 4 stars; one submission).

Submission:

Labcorp Genetics (formerly Invitae), Labcorp
Classification: Uncertain significance. Last evaluated: 2025-07-13. Review status: criteria provided, single submitter. Criteria: Invitae Variant Classification Sherloc (09022015). Collection method: clinical testing. Allele origin: germline.
Comment: This variant, c.3701_3727del, results in the deletion of 9 amino acid(s) of the MYH7B protein (p.His1234_Arg1242del), but otherwise preserves the integrity of the reading frame. This variant is present in population databases (no rsID available, gnomAD 0.02%). This variant has not been reported in the literature in individuals affected with MYH7B-related conditions. Experimental studies and prediction algorithms are not available or were not evaluated, and the functional significance of this variant is currently unknown. In summary, the available evidence is currently insufficient to determine the role of this variant in disease. Therefore, it has been classified as a Variant of Uncertain Significance.